The following is an entry in ClinVar:

ClinVar aggregate classification (germline): Pathogenic (1 of 4 stars; one submission).

Conditions:
Retinitis pigmentosa 1 (RP1). Identifiers: Orphanet 791, MedGen C0220701, MONDO:0008377, OMIM 180100.

Submission:

Centre of Medical Genetics, University Hospital Muenster
Classification: Pathogenic for Retinitis pigmentosa 1. Last evaluated: 2022-05-11. Review status: criteria provided, single submitter. Criteria: ACMG Guidelines, 2015. Collection method: clinical testing. Allele origin: unknown. Affected: yes. Observed: 1 variant allele, 1 heterozygote.
Comment: ACMG categories: PVS1,PS4,PM2

NM_006269.2(RP1):c.2001del (p.Val668fs)

Gene: RP1 (RP1 axonemal microtubule associated; plus strand). Cytogenetic location: 8q12.1.
Variant type: Deletion.
Coding change: c.2001del on transcript NM_006269.2 (MANE Select); coding-DNA position 2001, one base deleted (T; older notation c.2001delT).
Protein change: p.Val668fs; shifts the reading frame from valine 668.
Molecular consequence: frameshift variant. On other transcripts: intron variant (1).
Genome position (GRCh38, 1-based): chr8:54,625,883, T deleted. VCF-style (leftmost placement, unchanged base first): chr8-54625882-CT-C. GRCh37 (hg19) VCF-style: chr8-55538442-CT-C.
Other names: c.787+3595del (NM_001375654.1); short protein forms V668fs.
Identifiers: ClinVar variation 1708390 (VCV001708390.2), dbSNP rs2484819562, ClinGen allele CA2580078488.